The following is an entry in ClinVar:

ClinVar aggregate classification (germline): Uncertain significance. Review status: criteria provided, multiple submitters, no conflicts (2 of 4 stars). 2 submissions from 2 submitters: Uncertain significance (2). Last evaluated 2022-11-18.

Conditions:
Inborn genetic diseases. Identifiers: MedGen C0950123, MeSH D030342.

Allele frequency attached by ClinVar (database versions not stated): ExAC 0.00001; gnomAD 0.00001; gnomAD exomes 0.00001; TOPMed 0.00002.
gnomAD v4.1: 11 of 1,613,852 alleles (0.00068%); highest among the groups gnomAD compares: Non-Finnish European, 0.00093%; no homozygotes.

Submissions (2):

Ambry Genetics
Classification: Uncertain significance for Inborn genetic diseases. Last evaluated: 2022-11-18. Review status: criteria provided, single submitter. Criteria: Ambry Variant Classification Scheme 2023. Collection method: clinical testing. Allele origin: germline.

Labcorp Genetics (formerly Invitae), Labcorp
Classification: Uncertain significance. Last evaluated: 2022-08-09. Review status: criteria provided, single submitter. Criteria: Invitae Variant Classification Sherloc (09022015). Collection method: clinical testing. Allele origin: germline.
Comment: This sequence change replaces isoleucine, which is neutral and non-polar, with threonine, which is neutral and polar, at codon 2775 of the PCLO protein (p.Ile2775Thr). This variant is present in population databases (rs747103529, gnomAD 0.003%). This variant has not been reported in the literature in individuals affected with PCLO-related conditions. ClinVar contains an entry for this variant (Variation ID: 1446526). Algorithms developed to predict the effect of missense changes on protein structure and function are either unavailable or do not agree on the potential impact of this missense change (SIFT: "Deleterious"; PolyPhen-2: "Not Available"; Align-GVGD: "Class C0"). In summary, the available evidence is currently insufficient to determine the role of this variant in disease. Therefore, it has been classified as a Variant of Uncertain Significance.

NM_033026.6(PCLO):c.8324T>C (p.Ile2775Thr)

Gene: PCLO (piccolo presynaptic cytomatrix protein; minus strand). Cytogenetic location: 7q21.11.
Variant type: single nucleotide variant.
Coding change: c.8324T>C on transcript NM_033026.6 (MANE Select); coding-DNA position 8324, T replaced by C.
Protein change: p.Ile2775Thr; replaces isoleucine 2775 with threonine.
Molecular consequence: missense variant.
Genome position (GRCh38, 1-based): chr7:82,952,629, A>G on the plus strand (T>C on the coding strand, the complement: PCLO is on the minus strand). VCF-style: chr7-82952629-A-G. GRCh37 (hg19) VCF-style: chr7-82581945-A-G.
Other names: c.8324T>C, p.Ile2775Thr (NM_014510.3); c.8324T>C (NM_033026.5); short protein forms I2775T.
Identifiers: ClinVar variation 1446526 (VCV001446526.6), dbSNP rs747103529, ClinGen allele CA4320140.
Genomic context (GRCh38, chr7:82,952,629, plus strand): 5'-ACTGTCTCAGTGGCCAGAGATACAGGAGTCACTATTGATGATGTCACACTAAGATTTATA[A>G]TAGAGGGTTGGACAGCACTAATTTGTTTCCCATAAACTTCATTTGCTGTGATCTGCCTTT-3'
Protein context (NP_149015.2, residues 2765-2785): GKQISAVQPS[Ile2775Thr]INLSVTSSIV